The following is an entry in ClinVar:

NM_000352.6(ABCC8):c.142T>C (p.Phe48Leu)

Gene: ABCC8 (ATP binding cassette subfamily C member 8; minus strand). Cytogenetic location: 11p15.1.
Variant type: single nucleotide variant.
Coding change: c.142T>C on transcript NM_000352.6 (MANE Select); coding-DNA position 142, T replaced by C.
Protein change: p.Phe48Leu; replaces phenylalanine 48 with leucine.
Molecular consequence: missense variant. On other transcripts: non-coding transcript variant (1).
Genome position (GRCh38, 1-based): chr11:17,476,635, A>G on the plus strand (T>C on the coding strand, the complement: ABCC8 is on the minus strand). VCF-style: chr11-17476635-A-G. GRCh37 (hg19) VCF-style: chr11-17498182-A-G.
Other names: c.142T>C, p.Phe48Leu (NM_001287174.3, NM_001351295.2, NM_001351296.2 and 1 more transcripts); short protein forms F48L.
Identifiers: ClinVar variation 4977306 (VCV004977306.1).

ClinVar aggregate classification (germline): Uncertain significance (1 of 4 stars; one submission).

Conditions:
ABCC8-related disorder.

Submission:

PreventionGenetics, part of Exact Sciences
Classification: Uncertain significance for ABCC8-related condition. Last evaluated: 2025-02-08. Review status: criteria provided, single submitter. Criteria: ACMG Guidelines, 2015. Collection method: clinical testing. Allele origin: germline.
Comment: The ABCC8 c.142T>C variant is predicted to result in the amino acid substitution p.Phe48Leu. To our knowledge, this variant has not been reported in the literature or in a large population database (gnomAD), indicating this variant is rare. At this time, the clinical significance of this variant is uncertain due to the absence of conclusive functional and genetic evidence.